The following is an entry in ClinVar:

NM_006261.5(PROP1):c.152G>C (p.Gly51Ala)

Gene: PROP1 (PROP paired-like homeobox 1; minus strand). Cytogenetic location: 5q35.3.
Variant type: single nucleotide variant.
Coding change: c.152G>C on transcript NM_006261.5 (MANE Select); coding-DNA position 152, G replaced by C.
Protein change: p.Gly51Ala; replaces glycine 51 with alanine.
Molecular consequence: missense variant.
Genome position (GRCh38, 1-based): chr5:177,994,296, C>G on the plus strand (G>C on the coding strand, the complement: PROP1 is on the minus strand). VCF-style: chr5-177994296-C-G. GRCh37 (hg19) VCF-style: chr5-177421297-C-G.
Other names: short protein forms G51A.
Identifiers: ClinVar variation 188820 (VCV000188820.28), dbSNP rs2233783, ClinGen allele CA346831.

ClinVar aggregate classification (germline): Benign. Review status: criteria provided, multiple submitters, no conflicts (2 of 4 stars). 11 submissions from 11 submitters: Benign (6). 5 of the submissions do not count toward it. Last evaluated 2026-06-04.

Conditions:
Pituitary hormone deficiency, combined, 2. Also called: HANHART DWARFISM; PITUITARY DWARFISM III; PROP1-Related Combined Pituitary Hormone Deficiency; ATELIOTIC DWARFISM WITH HYPOGONADISM. Identifiers: MedGen C0878683, MONDO:0009878, OMIM 262600.

Allele frequency attached by ClinVar (database versions not stated): ESP Exome Variant Server 0.03310; 1000 Genomes Project 0.03115; TOPMed 0.03303; 1000 Genomes Project 30x 0.03404.

Submissions (11):

Women's Health and Genetics/Laboratory Corporation of America, LabCorp
Classification: Benign. Last evaluated: 2026-06-04. Review status: criteria provided, single submitter. Criteria: LabCorp Variant Classification Summary - May 2015. Collection method: clinical testing. Allele origin: germline.
Comment: Variant summary: PROP1 c.152G>C (p.Gly51Ala) results in a non-conservative amino acid change in the encoded protein sequence. Algorithms developed to predict the effect of missense changes on protein structure and function are either unavailable or do not agree on the potential impact of this missense change. The variant allele was found at a frequency of 0.0076 in 243052 control chromosomes, predominantly at a frequency of 0.1 within the African or African-American subpopulation in the gnomAD database, including 84 homozygotes. The observed variant frequency within African or African-American control individuals in the gnomAD database exceeds the estimated maximal expected allele frequency for disease-causing variants in PROP1. To our knowledge, no occurrence of c.152G>C in individuals affected with PROP1-related conditions has been reported. At least one publication reports experimental evidence evaluating an impact on protein function. These results showed no damaging effect of this variant (McLennan_2003). ClinVar contains an entry for this variant (Variation ID: 188820). Based on the evidence outlined above, the variant was classified as benign.

Labcorp Genetics (formerly Invitae), Labcorp
Classification: Benign. Last evaluated: 2026-02-02. Review status: criteria provided, single submitter. Criteria: Invitae Variant Classification Sherloc (09022015). Collection method: clinical testing. Allele origin: germline.

GeneDx
Classification: Benign. Last evaluated: 2018-10-24. Review status: criteria provided, single submitter. Criteria: GeneDx Variant Classification Process June 2021. Collection method: clinical testing. Allele origin: germline. Affected: yes.
Comment: This variant is associated with the following publications: (PMID: 27884173, 16544023, 25525159, 20981092)

Illumina Laboratory Services, Illumina
Classification: Benign for Pituitary hormone deficiency, combined, 2. Last evaluated: 2018-03-06. Review status: criteria provided, single submitter. Criteria: ICSL Variant Classification Criteria 13 December 2019. Collection method: clinical testing. Allele origin: germline.
Comment: This variant was observed in the ICSL laboratory as part of a predisposition screen in an ostensibly healthy population. It had not been previously curated by ICSL or reported in the Human Gene Mutation Database (HGMD: prior to June 1st, 2018), and was therefore a candidate for classification through an automated scoring system. Utilizing variant allele frequency, disease prevalence and penetrance estimates, and inheritance mode, an automated score was calculated to assess if this variant is too frequent to cause the disease. Based on the score and internal cut-off values, a variant classified as benign is not then subjected to further curation. The score for this variant resulted in a classification of benign for this disease.

Center for Pediatric Genomic Medicine, Children's Mercy Hospital and Clinics
Classification: Benign. Last evaluated: 2016-10-13. Review status: criteria provided, single submitter. Criteria: ACMG Guidelines, 2015. Collection method: clinical testing. Allele origin: germline.

Eurofins Ntd Llc (ga)
Classification: Benign. Last evaluated: 2016-04-14. Review status: criteria provided, single submitter. Criteria: EGL Classification Definitions 2015. Collection method: clinical testing. Allele origin: germline. Observed: 1 variant allele, 1 homozygote.

Natera, Inc.
Classification: Benign for Combined pituitary hormone deficiency type 2. Last evaluated: 2020-09-16. Review status: no assertion criteria provided. Collection method: clinical testing. Allele origin: germline. Not counted in ClinVar's aggregate classification.

Counsyl
Classification: Benign for Pituitary hormone deficiency, combined 2. Last evaluated: 2014-06-05. Review status: no assertion criteria provided. Collection method: literature only. Allele origin: unknown. Inheritance: Autosomal recessive inheritance. Not counted in ClinVar's aggregate classification.

Clinical Genetics, Academic Medical Center
Classification: Likely benign. Review status: no assertion criteria provided. Collection method: clinical testing. Allele origin: germline. Affected: yes. Study: VKGL Data-share Consensus. Not counted in ClinVar's aggregate classification.

Genome Diagnostics Laboratory, University Medical Center Utrecht
Classification: Benign. Review status: no assertion criteria provided. Collection method: clinical testing. Allele origin: germline. Affected: yes. Study: VKGL Data-share Consensus. Not counted in ClinVar's aggregate classification.

Laboratory of Diagnostic Genome Analysis, Leiden University Medical Center (LUMC)
Classification: Likely benign. Review status: no assertion criteria provided. Collection method: clinical testing. Allele origin: germline. Affected: yes. Study: VKGL Data-share Consensus. Not counted in ClinVar's aggregate classification.

Literature cited by the submitters: PubMed 12780757 (cited by Women's Health and Genetics/Laboratory Corporation of America, LabCorp); PubMed 16544023 (cited by Women's Health and Genetics/Laboratory Corporation of America, LabCorp and Counsyl); PubMed 15670191 (cited by Counsyl); PubMed 20981092 (cited by Counsyl).